The following is an entry in ClinVar:

ClinVar aggregate classification (germline): Conflicting classifications of pathogenicity. Review status: criteria provided, conflicting classifications (1 of 4 stars). 5 submissions from 4 submitters: Uncertain significance (3); Likely benign (2). Last evaluated 2025-02-05.

Conditions:
PDE6C-related disorder. Also called: PDE6C-related condition.
Achromatopsia. Also called: Rod monochromatism. Identifiers: Orphanet 49382, MedGen C0152200, MONDO:0018852, HP:0011516.
Cone dystrophy 4 (COD4). Identifiers: Orphanet 49382, MedGen C2751308, MONDO:0013129, OMIM 613093.

Allele frequency attached by ClinVar (database versions not stated): gnomAD 0.00008 and 0.00009; TOPMed 0.00010; gnomAD exomes 0.00014 and 0.00023; ESP Exome Variant Server 0.00023; ExAC 0.00037.
gnomAD v4.1: 228 of 1,600,648 alleles (0.014%); highest among the groups gnomAD compares: Middle Eastern, 0.066%; no homozygotes.

Submissions (5):

PreventionGenetics, part of Exact Sciences
Classification: Likely benign for PDE6C-related condition. Last evaluated: 2025-02-05. Review status: criteria provided, single submitter. Criteria: ACMG Guidelines, 2015. Collection method: clinical testing. Allele origin: germline.
Comment: This variant is classified as likely benign based on ACMG/AMP sequence variant interpretation guidelines (Richards et al. 2015 PMID: 25741868, with internal and published modifications).

Blueprint Genetics
Classification: Likely benign. Last evaluated: 2024-11-08. Review status: criteria provided, single submitter. Criteria: ACMG Guidelines, 2015. Collection method: clinical testing. Allele origin: germline.

Labcorp Genetics (formerly Invitae), Labcorp
Classification: Uncertain significance. Last evaluated: 2024-10-22. Review status: criteria provided, single submitter. Criteria: Invitae Variant Classification Sherloc (09022015). Collection method: clinical testing. Allele origin: germline.
Comment: This sequence change falls in intron 5 of the PDE6C gene. It does not directly change the encoded amino acid sequence of the PDE6C protein. It affects a nucleotide within the consensus splice site. This variant is present in population databases (rs371814026, gnomAD 0.04%). This variant has been observed in individual(s) with clinical features of PDE6C-related conditions (internal data). ClinVar contains an entry for this variant (Variation ID: 301626). Variants that disrupt the consensus splice site are a relatively common cause of aberrant splicing (PMID: 17576681, 9536098). Algorithms developed to predict the effect of sequence changes on RNA splicing suggest that this variant is not likely to affect RNA splicing. In summary, the available evidence is currently insufficient to determine the role of this variant in disease. Therefore, it has been classified as a Variant of Uncertain Significance.

Illumina Laboratory Services, Illumina
Classification: Uncertain significance for Achromatopsia. Last evaluated: 2018-01-13. Review status: criteria provided, single submitter. Criteria: ICSL Variant Classification Criteria 13 December 2019. Collection method: clinical testing. Allele origin: germline.

Illumina Laboratory Services, Illumina
Classification: Uncertain significance for Cone dystrophy 4. Last evaluated: 2018-01-13. Review status: criteria provided, single submitter. Criteria: ICSL Variant Classification Criteria 13 December 2019. Collection method: clinical testing. Allele origin: germline.

Literature cited by the submitters: PubMed 17576681 (cited by Labcorp Genetics (formerly Invitae), Labcorp); PubMed 9536098 (cited by Labcorp Genetics (formerly Invitae), Labcorp).

NM_006204.4(PDE6C):c.939+4C>T

Gene: PDE6C (phosphodiesterase 6C; plus strand). Cytogenetic location: 10q23.33.
Variant type: single nucleotide variant.
Coding change: c.939+4C>T on transcript NM_006204.4 (MANE Select); 4 bases into the intron after coding-DNA position 939, C replaced by T.
Molecular consequence: intron variant.
Genome position (GRCh38, 1-based): chr10:93,625,653, C>T. VCF-style: chr10-93625653-C-T. GRCh37 (hg19) VCF-style: chr10-95385410-C-T.
Identifiers: ClinVar variation 301626 (VCV000301626.12), dbSNP rs371814026, ClinGen allele CA5609981.